The following is an entry in ClinVar:

NM_014014.5(SNRNP200):c.4680T>G (p.Ile1560Met)

Gene: SNRNP200 (small nuclear ribonucleoprotein U5 subunit 200; minus strand). Cytogenetic location: 2q11.2.
Variant type: single nucleotide variant.
Coding change: c.4680T>G on transcript NM_014014.5 (MANE Select); coding-DNA position 4680, T replaced by G.
Protein change: p.Ile1560Met; replaces isoleucine 1560 with methionine.
Molecular consequence: missense variant.
Genome position (GRCh38, 1-based): chr2:96,283,618, A>C on the plus strand (T>G on the coding strand, the complement: SNRNP200 is on the minus strand). VCF-style: chr2-96283618-A-C. GRCh37 (hg19) VCF-style: chr2-96949356-A-C.
Other names: c.4680T>G (NM_014014.4); short protein forms I1560M.
Identifiers: ClinVar variation 2069779 (VCV002069779.6), dbSNP rs2467321713, ClinGen allele CA347664062.

ClinVar aggregate classification (germline): Uncertain significance. Review status: criteria provided, multiple submitters, no conflicts (2 of 4 stars). 3 submissions from 3 submitters: Uncertain significance (3). Last evaluated 2023-10-10.

Conditions:
Inborn genetic diseases. Identifiers: MedGen C0950123, MeSH D030342.

Allele frequency attached by ClinVar (database versions not stated): gnomAD exomes 0.00001.
gnomAD v4.1: 3 of 1,614,076 alleles (0.00019%); highest among the groups gnomAD compares: Non-Finnish European, 0.00025%; no homozygotes.

Submissions (3):

Ambry Genetics
Classification: Uncertain significance for Inborn genetic diseases. Last evaluated: 2023-10-10. Review status: criteria provided, single submitter. Criteria: Ambry Variant Classification Scheme 2023. Collection method: clinical testing. Allele origin: germline.

Labcorp Genetics (formerly Invitae), Labcorp
Classification: Uncertain significance. Last evaluated: 2022-01-02. Review status: criteria provided, single submitter. Criteria: Invitae Variant Classification Sherloc (09022015). Collection method: clinical testing. Allele origin: germline.
Comment: In summary, the available evidence is currently insufficient to determine the role of this variant in disease. Therefore, it has been classified as a Variant of Uncertain Significance. Algorithms developed to predict the effect of missense changes on protein structure and function (SIFT, PolyPhen-2, Align-GVGD) all suggest that this variant is likely to be tolerated. This variant has not been reported in the literature in individuals affected with SNRNP200-related conditions. This variant is not present in population databases (gnomAD no frequency). This sequence change replaces isoleucine, which is neutral and non-polar, with methionine, which is neutral and non-polar, at codon 1560 of the SNRNP200 protein (p.Ile1560Met).

Blueprint Genetics
Classification: Uncertain significance. Last evaluated: 2021-07-12. Review status: criteria provided, single submitter. Criteria: ACMG Guidelines, 2015. Collection method: clinical testing. Allele origin: germline.